The following is an entry in ClinVar:

ClinVar aggregate classification (germline): Benign/Likely benign. Review status: criteria provided, multiple submitters, no conflicts (2 of 4 stars). 5 submissions from 5 submitters: Benign (1); Likely benign (3). 1 of the submissions does not count toward it. Last evaluated 2025-07-27.

Conditions:
FUS-related disorder. Also called: FUS-related condition.
Inborn genetic diseases. Identifiers: MedGen C0950123, MeSH D030342.
Tremor, hereditary essential, 4 (ETM4). Identifiers: MedGen C3539195, MONDO:0013888, OMIM 614782.
Amyotrophic lateral sclerosis type 6. Also called: FUS-Related Amyotrophic Laterial Sclerosis; AMYOTROPHIC LATERAL SCLEROSIS 6 WITHOUT FRONTOTEMPORAL DEMENTIA; Amyotrophic lateral sclerosis 6, with or without frontotemporal dementia. Identifiers: Orphanet 275872, Orphanet 803, MedGen C2931786, MONDO:0011951, OMIM 608030.

Allele frequency attached by ClinVar (database versions not stated): gnomAD 0.00006; ESP Exome Variant Server 0.00008; gnomAD exomes 0.00010 and 0.00016; TOPMed 0.00011; ExAC 0.00012.
gnomAD v4.1: 172 of 1,614,002 alleles (0.011%); highest among the groups gnomAD compares: Admixed American, 0.017%; no homozygotes.

Submissions (5):

Labcorp Genetics (formerly Invitae), Labcorp
Classification: Benign for Tremor, hereditary essential, 4; Amyotrophic lateral sclerosis type 6. Last evaluated: 2025-07-27. Review status: criteria provided, single submitter. Criteria: Invitae Variant Classification Sherloc (09022015). Collection method: clinical testing. Allele origin: germline.

Mayo Clinic Laboratories, Mayo Clinic
Classification: Likely benign. Last evaluated: 2025-07-08. Review status: criteria provided, single submitter. Criteria: ACMG Guidelines, 2015. Collection method: clinical testing. Allele origin: germline. Observed: 1 variant allele.
Comment: BP4, BP7

Ambry Genetics
Classification: Likely benign for Inborn genetic diseases. Last evaluated: 2022-11-15. Review status: criteria provided, single submitter. Criteria: Ambry Variant Classification Scheme 2023. Collection method: clinical testing. Allele origin: germline.

CeGaT Center for Human Genetics Tuebingen
Classification: Likely benign. Last evaluated: 2022-10-01. Review status: criteria provided, single submitter. Criteria: CeGaT Center For Human Genetics Tuebingen Variant Classification Criteria Version 2. Collection method: clinical testing. Allele origin: germline. Affected: yes. Observed: 1 variant allele.
Comment: FUS: BP4, BP7

PreventionGenetics, part of Exact Sciences
Classification: Likely benign for FUS-related condition. Last evaluated: 2023-03-17. Review status: no assertion criteria provided. Collection method: clinical testing. Allele origin: germline. Not counted in ClinVar's aggregate classification.
Comment: This variant is classified as likely benign based on ACMG/AMP sequence variant interpretation guidelines (Richards et al. 2015 PMID: 25741868, with internal and published modifications).

NM_004960.4(FUS):c.66G>A (p.Gly22=)

Gene: FUS (FUS DNA/RNA binding protein; plus strand). Cytogenetic location: 16p11.2.
Variant type: single nucleotide variant.
Coding change: c.66G>A on transcript NM_004960.4 (MANE Select); coding-DNA position 66, G replaced by A.
Protein change: p.Gly22=; no amino-acid change (glycine 22 retained).
Molecular consequence: synonymous variant. On other transcripts: non-coding transcript variant (1).
Genome position (GRCh38, 1-based): chr16:31,182,540, G>A. VCF-style: chr16-31182540-G-A. GRCh37 (hg19) VCF-style: chr16-31193861-G-A.
Other names: p.Gly22=; c.66G>A (NM_004960.3); c.66G>A, p.Gly22= (NM_001170634.1, NM_001170937.1).
Identifiers: ClinVar variation 1167570 (VCV001167570.37), dbSNP rs147877613, ClinGen allele CA8023440.